The following is an entry in ClinVar:

NM_001211.6(BUB1B):c.630AGA[2] (p.Glu215del)

Gene: BUB1B (BUB1 mitotic checkpoint serine/threonine kinase B; plus strand). Cytogenetic location: 15q15.1.
Variant type: Microsatellite.
Coding change: c.630AGA[2] on transcript NM_001211.6 (MANE Select); two copies in a row of the 3-base unit AGA starting at c.630; the reference has three copies in a row; one copy, 3 bases deleted.
Protein change: p.Glu215del; deletes glutamic acid 215.
Molecular consequence: inframe deletion.
Genome position (GRCh38, 1-based): chr15:40,183,768-40,183,770, AGA deleted; deleting any 3 consecutive bases within chr15:40,183,761-40,183,770 gives the same sequence; the position shown is the placement nearest the transcript's 3' end. VCF-style (leftmost placement, unchanged base first): chr15-40183760-AAAG-A. GRCh37 (hg19) VCF-style: chr15-40475961-AAAG-A.
Other names: short protein forms E215del.
Identifiers: ClinVar variation 1440347 (VCV001440347.6), dbSNP rs751339245, ClinGen allele CA7475526.

ClinVar aggregate classification (germline): Uncertain significance (1 of 4 stars; one submission).

Conditions:
Mosaic variegated aneuploidy syndrome 1 (MVA1). Also called: Warburton-Anyane-Yeboa syndrome. Identifiers: Orphanet 1052, MedGen C1850343, MONDO:0009759, OMIM 257300.

Submission:

Labcorp Genetics (formerly Invitae), Labcorp
Classification: Uncertain significance for Mosaic variegated aneuploidy syndrome 1. Last evaluated: 2024-10-14. Review status: criteria provided, single submitter. Criteria: Invitae Variant Classification Sherloc (09022015). Collection method: clinical testing. Allele origin: germline.
Comment: This variant, c.636_638del, results in the deletion of 1 amino acid(s) of the BUB1B protein (p.Glu215del), but otherwise preserves the integrity of the reading frame. This variant is present in population databases (rs751339245, gnomAD 0.02%). This variant has not been reported in the literature in individuals affected with BUB1B-related conditions. Experimental studies and prediction algorithms are not available or were not evaluated, and the functional significance of this variant is currently unknown. In summary, the available evidence is currently insufficient to determine the role of this variant in disease. Therefore, it has been classified as a Variant of Uncertain Significance.